The following is an entry in ClinVar:

NM_003073.5(SMARCB1):c.309C>T (p.Asn103=)

Gene: SMARCB1 (SWI/SNF related BAF chromatin remodeling complex subunit B1; plus strand). Cytogenetic location: 22q11.23.
Variant type: single nucleotide variant.
Coding change: c.309C>T on transcript NM_003073.5 (MANE Select); coding-DNA position 309, C replaced by T.
Protein change: p.Asn103=; no amino-acid change (asparagine 103 retained).
Molecular consequence: synonymous variant.
Genome position (GRCh38, 1-based): chr22:23,793,635, C>T. VCF-style: chr22-23793635-C-T. GRCh37 (hg19) VCF-style: chr22-24135822-C-T.
Other names: c.309C>T (LRG_520t1); c.282C>T, p.Asn94= (NM_001007468.3, NM_001317946.2); c.309C>T, p.Asn103= (NM_001362877.2).
Identifiers: ClinVar variation 532975 (VCV000532975.23), dbSNP rs145695677, ClinGen allele CA322596933.
Genomic context (GRCh38, chr22:23,793,635, plus strand): 5'-TCTAGCCACCAGTGTGACCCTGTTAAAAGCCTCGGAAGTGGAAGAGATTCTGGATGGCAA[C>T]GATGAGAAGTACAAGGCTGTGTCCATCAGCACAGAGCCCCCCACCTACCTCAGGTAATGC-3'
Protein context (NP_003064.2, residues 93-113): ASEVEEILDG[Asn103=]DEKYKAVSIS

ClinVar aggregate classification (germline): Conflicting classifications of pathogenicity. Review status: criteria provided, conflicting classifications (1 of 4 stars). 6 submissions from 5 submitters: Uncertain significance (2); Likely benign (4). Last evaluated 2026-03-01.

Conditions:
Rhabdoid tumor predisposition syndrome 1 (RTPS1). Also called: Familial Posterior Fossa Brain Tumor of Infancy. Identifiers: Orphanet 231108, Orphanet 69077, MedGen C1836327, MONDO:0012252, OMIM 609322.
SMARCB1-related schwannomatosis. Also called: Schwannomatosis 1; SWNTS1. Identifiers: Orphanet 93921, MedGen C4048809, MONDO:0024517, OMIM 162091. Disease mechanism: loss of function.
Hereditary cancer-predisposing syndrome. Also called: Hereditary Cancer Syndrome; Tumor predisposition; Neoplastic Syndromes, Hereditary; Hereditary neoplastic syndrome. Identifiers: Orphanet 140162, MedGen C0027672, MeSH D009386, MONDO:0015356.

Allele frequency attached by ClinVar (database versions not stated): gnomAD exomes 0.00001; gnomAD 0.00002; TOPMed 0.00003; ESP Exome Variant Server 0.00015.
gnomAD v4.1: 19 of 1,613,944 alleles (0.0012%); highest among the groups gnomAD compares: South Asian, 0.0044%; no homozygotes.

Submissions (6):

CeGaT Center for Human Genetics Tuebingen
Classification: Likely benign. Last evaluated: 2026-03-01. Review status: criteria provided, single submitter. Criteria: CeGaT Center For Human Genetics Tuebingen Variant Classification Criteria Version 2. Collection method: clinical testing. Allele origin: germline. Affected: yes. Observed: 1 variant allele.
Comment: SMARCB1: BP4, BP7

Labcorp Genetics (formerly Invitae), Labcorp
Classification: Likely benign. Last evaluated: 2026-02-03. Review status: criteria provided, single submitter. Criteria: Invitae Variant Classification Sherloc (09022015). Collection method: clinical testing. Allele origin: germline.

Ambry Genetics
Classification: Likely benign for Hereditary cancer-predisposing syndrome. Last evaluated: 2020-09-15. Review status: criteria provided, single submitter. Criteria: Ambry Variant Classification Scheme 2023. Collection method: clinical testing. Allele origin: germline.

GeneDx
Classification: Likely benign. Last evaluated: 2019-06-04. Review status: criteria provided, single submitter. Criteria: GeneDx Variant Classification Process June 2021. Collection method: clinical testing. Allele origin: germline. Affected: yes.

Illumina Laboratory Services, Illumina
Classification: Uncertain significance for Rhabdoid tumor predisposition syndrome 1. Last evaluated: 2018-01-15. Review status: criteria provided, single submitter. Criteria: ICSL Variant Classification Criteria 13 December 2019. Collection method: clinical testing. Allele origin: germline.

Illumina Laboratory Services, Illumina
Classification: Uncertain significance for SMARCB1-related schwannomatosis. Last evaluated: 2018-01-15. Review status: criteria provided, single submitter. Criteria: ICSL Variant Classification Criteria 13 December 2019. Collection method: clinical testing. Allele origin: germline.